The following is an entry in ClinVar:

ClinVar aggregate classification (germline): Likely pathogenic (1 of 4 stars; one submission).

Submission:

Labcorp Genetics (formerly Invitae), Labcorp
Classification: Likely pathogenic. Last evaluated: 2024-01-22. Review status: criteria provided, single submitter. Criteria: Invitae Variant Classification Sherloc (09022015). Collection method: clinical testing. Allele origin: germline.
Comment: This sequence change replaces glutamic acid, which is acidic and polar, with alanine, which is neutral and non-polar, at codon 219 of the TYR protein (p.Glu219Ala). This variant is not present in population databases (gnomAD no frequency). This variant has not been reported in the literature in individuals affected with TYR-related conditions. ClinVar contains an entry for this variant (Variation ID: 1501231). Advanced modeling of protein sequence and biophysical properties (such as structural, functional, and spatial information, amino acid conservation, physicochemical variation, residue mobility, and thermodynamic stability) performed at Invitae indicates that this missense variant is expected to disrupt TYR protein function with a positive predictive value of 80%. This variant disrupts the p.Glu219 amino acid residue in TYR. Other variant(s) that disrupt this residue have been determined to be pathogenic (PMID: 16907708, 20861851, 31077556). This suggests that this residue is clinically significant, and that variants that disrupt this residue are likely to be disease-causing. In summary, the currently available evidence indicates that the variant is pathogenic, but additional data are needed to prove that conclusively. Therefore, this variant has been classified as Likely Pathogenic.

Literature cited by the submitters: PubMed 16907708; PubMed 20861851; PubMed 31077556.

NM_000372.5(TYR):c.656A>C (p.Glu219Ala)

Gene: TYR (tyrosinase; plus strand). Cytogenetic location: 11q14.3.
Variant type: single nucleotide variant.
Coding change: c.656A>C on transcript NM_000372.5 (MANE Select); coding-DNA position 656, A replaced by C.
Protein change: p.Glu219Ala; replaces glutamic acid 219 with alanine.
Molecular consequence: missense variant.
Genome position (GRCh38, 1-based): chr11:89,178,609, A>C. VCF-style: chr11-89178609-A-C. GRCh37 (hg19) VCF-style: chr11-88911777-A-C.
Other names: short protein forms E219A.
Identifiers: ClinVar variation 1501231 (VCV001501231.6), dbSNP rs2135242551, ClinGen allele CA382035064.